The following is an entry in ClinVar:

ClinVar aggregate classification (germline): Likely benign (1 of 4 stars; one submission).

Allele frequency attached by ClinVar (database versions not stated): 1000 Genomes Project 0.00200; 1000 Genomes Project 30x 0.00203; ExAC 0.00457; gnomAD 0.00467; ESP Exome Variant Server 0.00492; TOPMed 0.00503; gnomAD exomes 0.00530.
gnomAD v4.1: 8,488 of 1,610,336 alleles (0.53%); highest among the groups gnomAD compares: Middle Eastern, 0.96%; 38 homozygotes.

Submission:

CeGaT Center for Human Genetics Tuebingen
Classification: Likely benign. Last evaluated: 2022-07-01. Review status: criteria provided, single submitter. Criteria: CeGaT Center For Human Genetics Tuebingen Variant Classification Criteria Version 2. Collection method: clinical testing. Allele origin: germline. Affected: yes. Observed: 1 variant allele.
Comment: GALNT5: BP4, BS2

NM_014568.3(GALNT5):c.2674C>T (p.Pro892Ser)

Gene: GALNT5 (polypeptide N-acetylgalactosaminyltransferase 5; plus strand). Cytogenetic location: 2q24.1.
Variant type: single nucleotide variant.
Coding change: c.2674C>T on transcript NM_014568.3 (MANE Select); coding-DNA position 2674, C replaced by T.
Protein change: p.Pro892Ser; replaces proline 892 with serine.
Molecular consequence: missense variant.
Genome position (GRCh38, 1-based): chr2:157,308,720, C>T. VCF-style: chr2-157308720-C-T. GRCh37 (hg19) VCF-style: chr2-158165232-C-T.
Other names: c.1264C>T, p.Pro422Ser (NM_001329868.2); short protein forms P422S, P892S.
Identifiers: ClinVar variation 2651443 (VCV002651443.24), dbSNP rs143599667, ClinGen allele CA1917875.
Genomic context (GRCh38, chr2:157,308,720, plus strand): 5'-CCTTGTGATAACAGAAACAAAGGGCTAAAATGGCTGCATAAATCAACATCAGTCTTTCAT[C>T]CAGAACTGGTAAGCAAAAGATTGGTACCTCTTCTTTACCACAAATTTGACTTTTGATCAA-3'
Protein context (NP_055383.1, residues 882-902): WLHKSTSVFH[Pro892Ser]ELVNHIVFEN